The following is an entry in ClinVar:

ClinVar aggregate classification (germline): Likely benign (0 of 4 stars; one submission).

Conditions:
PIEZO1-related disorder. Also called: PIEZO1-related condition; PIEZO1-Related Disorders.

Allele frequency attached by ClinVar (database versions not stated): gnomAD 0.00001.
gnomAD v4.1: 11 of 1,549,326 alleles (0.00071%); highest among the groups gnomAD compares: African/African-American, 0.0014%; no homozygotes.

Submission:

PreventionGenetics, part of Exact Sciences
Classification: Likely benign for PIEZO1-related condition. Last evaluated: 2024-01-23. Review status: no assertion criteria provided. Collection method: clinical testing. Allele origin: germline.
Comment: This variant is classified as likely benign based on ACMG/AMP sequence variant interpretation guidelines (Richards et al. 2015 PMID: 25741868, with internal and published modifications).

NM_001142864.4(PIEZO1):c.6954G>A (p.Glu2318=)

Gene: PIEZO1 (piezo type mechanosensitive ion channel component 1 (Er blood group); minus strand). Cytogenetic location: 16q24.3.
Variant type: single nucleotide variant.
Coding change: c.6954G>A on transcript NM_001142864.4 (MANE Select); coding-DNA position 6954, G replaced by A.
Protein change: p.Glu2318=; no amino-acid change (glutamic acid 2318 retained).
Molecular consequence: synonymous variant.
Genome position (GRCh38, 1-based): chr16:88,716,456, C>T on the plus strand (G>A on the coding strand, the complement: PIEZO1 is on the minus strand). VCF-style: chr16-88716456-C-T. GRCh37 (hg19) VCF-style: chr16-88782864-C-T.
Other names: c.5496G>A, p.Glu1832= (NM_014745.1).
Identifiers: ClinVar variation 3030285 (VCV003030285.2), dbSNP rs1227339743, ClinGen allele CA497363886.